The following is an entry in ClinVar:

ClinVar aggregate classification (germline): Uncertain significance. Review status: criteria provided, multiple submitters, no conflicts (2 of 4 stars). 2 submissions from 2 submitters: Uncertain significance (2). Last evaluated 2025-04-25.

Conditions:
Maple syrup urine disease, mild variant (MSUDMV). Identifiers: Orphanet 511, MedGen C3554575, MONDO:0014057, OMIM 615135.

Allele frequency attached by ClinVar (database versions not stated): ExAC 0.00002; gnomAD exomes 0.00005 and 0.00007; gnomAD 0.00008 and 0.00010; TOPMed 0.00010; ESP Exome Variant Server 0.00015.
gnomAD v4.1: 108 of 1,613,944 alleles (0.0067%); highest among the groups gnomAD compares: African/African-American, 0.015%; no homozygotes.

Submissions (2):

Ambry Genetics
Classification: Uncertain significance. Last evaluated: 2025-04-25. Review status: criteria provided, single submitter. Criteria: Ambry Variant Classification Scheme 2023. Collection method: clinical testing. Allele origin: germline.

Labcorp Genetics (formerly Invitae), Labcorp
Classification: Uncertain significance for Maple syrup urine disease, mild variant. Last evaluated: 2023-12-02. Review status: criteria provided, single submitter. Criteria: Invitae Variant Classification Sherloc (09022015). Collection method: clinical testing. Allele origin: germline.
Comment: This sequence change replaces alanine, which is neutral and non-polar, with valine, which is neutral and non-polar, at codon 325 of the PPM1K protein (p.Ala325Val). This variant is present in population databases (rs142490765, gnomAD 0.008%). This variant has not been reported in the literature in individuals affected with PPM1K-related conditions. ClinVar contains an entry for this variant (Variation ID: 1000474). Algorithms developed to predict the effect of missense changes on protein structure and function output the following: SIFT: "Not Available"; PolyPhen-2: "Benign"; Align-GVGD: "Not Available". The valine amino acid residue is found in multiple mammalian species, which suggests that this missense change does not adversely affect protein function. In summary, the available evidence is currently insufficient to determine the role of this variant in disease. Therefore, it has been classified as a Variant of Uncertain Significance.

NM_152542.5(PPM1K):c.974C>T (p.Ala325Val)

Gene: PPM1K (protein phosphatase, Mg2+/Mn2+ dependent 1K; minus strand). Cytogenetic location: 4q22.1.
Variant type: single nucleotide variant.
Coding change: c.974C>T on transcript NM_152542.5 (MANE Select); coding-DNA position 974, C replaced by T.
Protein change: p.Ala325Val; replaces alanine 325 with valine.
Molecular consequence: missense variant.
Genome position (GRCh38, 1-based): chr4:88,265,014, G>A on the plus strand (C>T on the coding strand, the complement: PPM1K is on the minus strand). VCF-style: chr4-88265014-G-A. GRCh37 (hg19) VCF-style: chr4-89186166-G-A.
Other names: c.974C>T (NM_152542.3); short protein forms A325V.
Identifiers: ClinVar variation 1000474 (VCV001000474.10), dbSNP rs142490765, ClinGen allele CA3005135.